The following is an entry in ClinVar:

NM_138395.4(MARS2):c.1615C>T (p.Leu539=)

Gene: MARS2 (methionyl-tRNA synthetase 2, mitochondrial; plus strand). Cytogenetic location: 2q33.1.
Variant type: single nucleotide variant.
Coding change: c.1615C>T on transcript NM_138395.4 (MANE Select); coding-DNA position 1615, C replaced by T.
Protein change: p.Leu539=; no amino-acid change (leucine 539 retained).
Molecular consequence: synonymous variant.
Genome position (GRCh38, 1-based): chr2:197,707,020, C>T. VCF-style: chr2-197707020-C-T. GRCh37 (hg19) VCF-style: chr2-198571744-C-T.
Other names: p.L539L:CTG>TTG; p.Leu539=.
Identifiers: ClinVar variation 214627 (VCV000214627.13), dbSNP rs114183325, ClinGen allele CA321213.

ClinVar aggregate classification (germline): Benign/Likely benign. Review status: criteria provided, multiple submitters, no conflicts (2 of 4 stars). 4 submissions from 4 submitters: Benign (2); Likely benign (2). Last evaluated 2025-08-30.

Allele frequency attached by ClinVar (database versions not stated): gnomAD exomes 0.00023 and 0.00054; ExAC 0.00077; 1000 Genomes Project 0.00240; gnomAD 0.00249 and 0.00271; 1000 Genomes Project 30x 0.00281; TOPMed 0.00296; ESP Exome Variant Server 0.00308.
gnomAD v4.1: 736 of 1,614,148 alleles (0.046%); highest among the groups gnomAD compares: African/African-American, 0.88%; 5 homozygotes.

Submissions (4):

Labcorp Genetics (formerly Invitae), Labcorp
Classification: Benign. Last evaluated: 2025-08-30. Review status: criteria provided, single submitter. Criteria: Invitae Variant Classification Sherloc (09022015). Collection method: clinical testing. Allele origin: germline.

Mayo Clinic Laboratories, Mayo Clinic
Classification: Likely benign. Last evaluated: 2024-12-13. Review status: criteria provided, single submitter. Criteria: ACMG Guidelines, 2015. Collection method: clinical testing. Allele origin: germline. Observed: 2 variant alleles.
Comment: BP4, BP7

Blueprint Genetics
Classification: Likely benign. Last evaluated: 2024-10-30. Review status: criteria provided, single submitter. Criteria: ACMG Guidelines, 2015. Collection method: clinical testing. Allele origin: germline.

GeneDx
Classification: Benign. Last evaluated: 2014-07-02. Review status: criteria provided, single submitter. Criteria: GeneDx Variant Classification (06012015). Collection method: clinical testing. Allele origin: germline. Affected: yes.
Comment: This variant is considered likely benign or benign based on one or more of the following criteria: it is a conservative change, it occurs at a poorly conserved position in the protein, it is predicted to be benign by multiple in silico algorithms, and/or has population frequency not consistent with disease.